The following is an entry in ClinVar:

NM_205850.3(SLC24A5):c.1439C>T (p.Thr480Ile)

Genes: MYEF2 (myelin expression factor 2; minus strand), SLC24A5 (solute carrier family 24 member 5; plus strand). Cytogenetic location: 15q21.1.
Variant type: single nucleotide variant.
Coding change: c.1439C>T on transcript NM_205850.3 (MANE Select); coding-DNA position 1439, C replaced by T.
Protein change: p.Thr480Ile; replaces threonine 480 with isoleucine.
Molecular consequence: missense variant. On other transcripts: 3 prime UTR variant (2).
Genome position (GRCh38, 1-based): chr15:48,142,287, C>T. VCF-style: chr15-48142287-C-T. GRCh37 (hg19) VCF-style: chr15-48434484-C-T.
Other names: c.*621G>A (NM_001301210.2, NM_016132.5); short protein forms T480I.
Identifiers: ClinVar variation 1959063 (VCV001959063.5), dbSNP rs1301786288, ClinGen allele CA392454597.

ClinVar aggregate classification (germline): Uncertain significance (1 of 4 stars; one submission).

Allele frequency attached by ClinVar (database versions not stated): TOPMed below 0.00001; gnomAD exomes 0.00001.
gnomAD v4.1: 3 of 1,613,328 alleles (0.00019%); highest among the groups gnomAD compares: South Asian, 0.0011%; no homozygotes.

Submission:

Labcorp Genetics (formerly Invitae), Labcorp
Classification: Uncertain significance. Last evaluated: 2022-09-27. Review status: criteria provided, single submitter. Criteria: Invitae Variant Classification Sherloc (09022015). Collection method: clinical testing. Allele origin: germline.
Comment: In summary, the available evidence is currently insufficient to determine the role of this variant in disease. Therefore, it has been classified as a Variant of Uncertain Significance. Advanced modeling of protein sequence and biophysical properties (such as structural, functional, and spatial information, amino acid conservation, physicochemical variation, residue mobility, and thermodynamic stability) performed at Invitae indicates that this missense variant is not expected to disrupt SLC24A5 protein function. This variant has not been reported in the literature in individuals affected with SLC24A5-related conditions. This variant is present in population databases (no rsID available, gnomAD 0.006%). This sequence change replaces threonine, which is neutral and polar, with isoleucine, which is neutral and non-polar, at codon 480 of the SLC24A5 protein (p.Thr480Ile).